The following is an entry in ClinVar:

ClinVar aggregate classification (germline): Uncertain significance (1 of 4 stars; one submission).

Conditions:
Fanconi anemia (FA). Also called: Fanconi's anemia. Identifiers: Orphanet 84, MedGen C0015625, MeSH D005199, MONDO:0019391.

Allele frequency attached by ClinVar (database versions not stated): gnomAD exomes below 0.00001; ExAC 0.00001; gnomAD 0.00001; 1000 Genomes Project 30x 0.00016; 1000 Genomes Project 0.00020.
gnomAD v4.1: 2 of 1,608,996 alleles (0.00012%); highest among the groups gnomAD compares: Middle Eastern, 0.019%; no homozygotes.

Submission:

Labcorp Genetics (formerly Invitae), Labcorp
Classification: Uncertain significance for Fanconi anemia. Last evaluated: 2021-06-13. Review status: criteria provided, single submitter. Criteria: Invitae Variant Classification Sherloc (09022015). Collection method: clinical testing. Allele origin: germline.
Comment: In summary, the available evidence is currently insufficient to determine the role of this variant in disease. Therefore, it has been classified as a Variant of Uncertain Significance. Algorithms developed to predict the effect of missense changes on protein structure and function are either unavailable or do not agree on the potential impact of this missense change (SIFT: "Deleterious"; PolyPhen-2: "Benign"; Align-GVGD: "Class C0"). This variant has not been reported in the literature in individuals with FANCM-related conditions. The frequency data for this variant in the population databases is considered unreliable, as metrics indicate poor data quality at this position in the ExAC database. This sequence change replaces glutamic acid with lysine at codon 595 of the FANCM protein (p.Glu595Lys). The glutamic acid residue is moderately conserved and there is a small physicochemical difference between glutamic acid and lysine.

NM_020937.4(FANCM):c.1783G>A (p.Glu595Lys)

Gene: FANCM (FA complementation group M; plus strand). Cytogenetic location: 14q21.2.
Variant type: single nucleotide variant.
Coding change: c.1783G>A on transcript NM_020937.4 (MANE Select); coding-DNA position 1783, G replaced by A.
Protein change: p.Glu595Lys; replaces glutamic acid 595 with lysine.
Molecular consequence: missense variant.
Genome position (GRCh38, 1-based): chr14:45,164,560, G>A. VCF-style: chr14-45164560-G-A. GRCh37 (hg19) VCF-style: chr14-45633763-G-A.
Other names: c.1705G>A, p.Glu569Lys (NM_001308133.2); c.1783G>A, p.Glu595Lys (NM_001308134.2); short protein forms E569K, E595K.
Identifiers: ClinVar variation 1462790 (VCV001462790.8), dbSNP rs568513434, ClinGen allele CA7169147.
Genomic context (GRCh38, chr14:45,164,560, plus strand): 5'-GGTAGAACTGGCCGTAAACGTCAAGGCAGGATAGTTATTATCCTTTCTGAAGGACGAGAG[G>A]AACGTGTAAGTAGAGCTGCAGAAACACAATTTGACACTTGAAATTTGAGAAATACAGCCC-3'
Protein context (NP_065988.1, residues 585-605): IVIILSEGRE[Glu595Lys]RIYNQSQSNK